The following is an entry in ClinVar:

ClinVar aggregate classification (germline): Uncertain significance (1 of 4 stars; one submission).

gnomAD v4.1: 35 of 1,567,268 alleles (0.0022%); highest among the groups gnomAD compares: East Asian, 0.017%; no homozygotes.

Submission:

Ambry Genetics
Classification: Uncertain significance. Last evaluated: 2025-01-08. Review status: criteria provided, single submitter. Criteria: Ambry Variant Classification Scheme 2023. Collection method: clinical testing. Allele origin: germline.
Comment: The p.R1945H variant (also known as c.5834G>A), located in coding exon 23 of the WNK2 gene, results from a G to A substitution at nucleotide position 5834. The arginine at codon 1945 is replaced by histidine, an amino acid with highly similar properties. This amino acid position is conserved. In addition, this alteration is predicted to be deleterious by in silico analysis. Based on the available evidence, the clinical significance of this variant remains unclear.

NM_006648.4(WNK2):c.5834G>A (p.Arg1945His)

Gene: WNK2 (WNK lysine deficient protein kinase 2; plus strand). Cytogenetic location: 9q22.31.
Variant type: single nucleotide variant.
Coding change: c.5834G>A on transcript NM_006648.4 (MANE Select); coding-DNA position 5834, G replaced by A.
Protein change: p.Arg1945His; replaces arginine 1945 with histidine.
Molecular consequence: missense variant.
Genome position (GRCh38, 1-based): chr9:93,297,978, G>A. VCF-style: chr9-93297978-G-A. GRCh37 (hg19) VCF-style: chr9-96060260-G-A.
Other names: c.5945G>A, p.Arg1982His (NM_001282394.3); short protein forms R1982H, R1945H.
Identifiers: ClinVar variation 3816776 (VCV003816776.1).